The following is an entry in ClinVar:

NM_133259.4(LRPPRC):c.3673G>A (p.Val1225Ile)

Gene: LRPPRC (leucine rich pentatricopeptide repeat containing; minus strand). Cytogenetic location: 2p21.
Variant type: single nucleotide variant.
Coding change: c.3673G>A on transcript NM_133259.4 (MANE Select); coding-DNA position 3673, G replaced by A.
Protein change: p.Val1225Ile; replaces valine 1225 with isoleucine.
Molecular consequence: missense variant.
Genome position (GRCh38, 1-based): chr2:43,899,502, C>T on the plus strand (G>A on the coding strand, the complement: LRPPRC is on the minus strand). VCF-style: chr2-43899502-C-T. GRCh37 (hg19) VCF-style: chr2-44126641-C-T.
Other names: c.3673G>A (NM_133259.3); short protein forms V1225I.
Identifiers: ClinVar variation 1359924 (VCV001359924.9), dbSNP rs776488880, ClinGen allele CA346676866.

ClinVar aggregate classification (germline): Uncertain significance. Review status: criteria provided, single submitter (1 of 4 stars). 2 submissions from 2 submitters: Uncertain significance (1). 1 of the submissions does not count toward it. Last evaluated 2022-12-02.

Conditions:
Congenital lactic acidosis, Saguenay-Lac-Saint-Jean type (MC4DN5). Also called: CYTOCHROME c OXIDASE DEFICIENCY, FRENCH CANADIAN TYPE; COX DEFICIENCY, FRENCH CANADIAN TYPE; MITOCHONDRIAL COMPLEX IV DEFICIENCY, NUCLEAR TYPE 5. Identifiers: Orphanet 70472, MedGen C1857355, MONDO:0009069, OMIM 220111.

Submissions (2):

Labcorp Genetics (formerly Invitae), Labcorp
Classification: Uncertain significance. Last evaluated: 2022-12-02. Review status: criteria provided, single submitter. Criteria: Invitae Variant Classification Sherloc (09022015). Collection method: clinical testing. Allele origin: germline.
Comment: In summary, the available evidence is currently insufficient to determine the role of this variant in disease. Therefore, it has been classified as a Variant of Uncertain Significance. Advanced modeling of protein sequence and biophysical properties (such as structural, functional, and spatial information, amino acid conservation, physicochemical variation, residue mobility, and thermodynamic stability) performed at Invitae indicates that this missense variant is not expected to disrupt LRPPRC protein function. ClinVar contains an entry for this variant (Variation ID: 1359924). This variant has not been reported in the literature in individuals affected with LRPPRC-related conditions. This variant is not present in population databases (gnomAD no frequency). This sequence change replaces valine, which is neutral and non-polar, with isoleucine, which is neutral and non-polar, at codon 1225 of the LRPPRC protein (p.Val1225Ile).

Natera, Inc.
Classification: Uncertain significance for French-Canadian type Leigh syndrome. Last evaluated: 2025-03-06. Review status: no assertion criteria provided. Collection method: clinical testing. Allele origin: germline. Not counted in ClinVar's aggregate classification.